The following is an entry in ClinVar:

ClinVar aggregate classification (germline): Likely pathogenic (1 of 4 stars; one submission).

Conditions:
Merosin deficient congenital muscular dystrophy (MDC1A). Also called: Congenital merosin-deficient muscular dystrophy 1A; Congenital Muscular Dystrophy Type 1A (MDC1A). Identifiers: Orphanet 258, MedGen C1263858, MONDO:0011925, OMIM 607855.

Submission:

Neuberg Centre For Genomic Medicine, NCGM
Classification: Likely pathogenic for Merosin deficient congenital muscular dystrophy. Last evaluated: 2023-06-02. Review status: criteria provided, single submitter. Criteria: ACMG Guidelines, 2015. Collection method: clinical testing. Allele origin: germline. Inheritance: Autosomal recessive inheritance. Affected: yes.
Comment: The observed stop gained c.5708C>G(p.Ser1903Ter) variant in LAMA2 gene has not been reported previously as a pathogenic variant nor as a benign variant, to our knowledge. This variant is absent in gnomAD Exomes. This variant is predicted to cause loss of normal protein function either through protein truncation or nonsense-mediated mRNA decay. Loss of function variants have been previously reported to be disease causing. Computational evidence (MutationTaster - Disease causing automatic) predicts damaging effect on protein structure and function for this variant. For these reasons, this variant has been classified as Likely Pathogenic.

NM_000426.4(LAMA2):c.5708C>G (p.Ser1903Ter)

Gene: LAMA2 (laminin subunit alpha 2; plus strand). Cytogenetic location: 6q22.33.
Variant type: single nucleotide variant.
Coding change: c.5708C>G on transcript NM_000426.4 (MANE Select); coding-DNA position 5708, C replaced by G.
Protein change: p.Ser1903Ter; replaces serine 1903 with a stop codon.
Molecular consequence: nonsense.
Genome position (GRCh38, 1-based): chr6:129,402,469, C>G. VCF-style: chr6-129402469-C-G. GRCh37 (hg19) VCF-style: chr6-129723614-C-G.
Other names: c.5708C>G, p.Ser1903Ter (NM_001079823.2); short protein forms S1903*.
Identifiers: ClinVar variation 3362268 (VCV003362268.3).